The following is an entry in ClinVar:

ClinVar aggregate classification (germline): Likely pathogenic (3 of 4 stars; one submission).

Conditions:
Glanzmann thrombasthenia. Also called: BLEEDING DISORDER, PLATELET-TYPE, 2; THROMBASTHENIA OF GLANZMANN AND NAEGELI; PLATELET GLYCOPROTEIN IIb-IIIa DEFICIENCY; Thrombasthenia; Glanzmann's thrombasthenia. Identifiers: Orphanet 849, MedGen C0040015, MONDO:0100326.

Submission:

ClinGen Platelet Disorders Variant Curation Expert Panel, ClinGen
Classification: Likely pathogenic for Glanzmann thrombasthenia. Last evaluated: 2024-08-20. Review status: reviewed by expert panel. Criteria: ClinGen Platelet ACMG Specifications v2-1. Collection method: curation. Allele origin: germline. Inheritance: Autosomal recessive inheritance.
Comment: The ITGA2B NM_000419.5:c.2898_2902dup variant has been experimentally determined to result in two mRNA products: a major product lacking exon 28 and a minor product containing exon 28 with a disrupted reading frame and native stop codon loss (PMID: 16463284), altering the entire transmembrane domain which is critically important. Exon 28 skipping is an in frame event predicted to lead to the production of a protein lacking amino acids 948-981. Loss of exon 28 has been demonstrated to result in the production of GPIIb/IIIa heterodimers that fail to complete post-translational processing and are retained intracellularly where they undergo degradation (PMID: 1932748), suggesting exon 28 is critical to protein function (PVS1). This variant has been observed in homozygosity (PM3_supporting) in one individual with a phenotype specific for Glanzmann's thrombasthenia (GT) (GT24, PMID: 16463284); history of bleeding and impaired aggregation to at least two agonists, but normal or only mildly reduced agglutination with ristocetin (PP4_Moderate). Furthermore, this variant is absent from population databases, including gnomADv4.1.0 (PM2_supporting). In summary, this variant meets criteria to be classified as likely pathogenic for GT. GT-specific criteria applied: PVS1_strong, PP4_moderate, PM2_supporting, and PM3_supporting.

NM_000419.5(ITGA2B):c.2898_2902dup (p.Tyr968fs)

Gene: ITGA2B (integrin subunit alpha 2b; minus strand). Cytogenetic location: 17q21.31.
Variant type: Duplication.
Coding change: c.2898_2902dup on transcript NM_000419.5 (MANE Select); coding-DNA positions 2898 to 2902, 5 bases duplicated (CCCCT; older notation c.2898_2902dupCCCCT).
Protein change: p.Tyr968fs; shifts the reading frame from tyrosine 968.
Molecular consequence: frameshift variant.
Genome position (GRCh38, 1-based): chr17:44,374,700-44,374,704, AGGGG duplicated on the plus strand (CCCCT on the coding strand, the reverse complement: ITGA2B is on the minus strand); duplicating any 5 consecutive bases within chr17:44,374,700-44,374,708 gives the same sequence; the c. name uses the placement nearest the transcript's 3' end. VCF-style (leftmost placement, unchanged base first): chr17-44374699-T-TAGGGG. GRCh37 (hg19) VCF-style: chr17-42452067-T-TAGGGG.
Other names: short protein forms Y968fs.
Identifiers: ClinVar variation 1210173 (VCV001210173.2), dbSNP rs2143429307, ClinGen allele CA915940725.